The following is an entry in ClinVar:

ClinVar aggregate classification (germline): Uncertain significance (1 of 4 stars; one submission).

Submission:

Labcorp Genetics (formerly Invitae), Labcorp
Classification: Uncertain significance. Last evaluated: 2023-12-22. Review status: criteria provided, single submitter. Criteria: Invitae Variant Classification Sherloc (09022015). Collection method: clinical testing. Allele origin: germline.
Comment: This sequence change falls in intron 6 of the SERPING1 gene. It does not directly change the encoded amino acid sequence of the SERPING1 protein. It affects a nucleotide within the consensus splice site. This variant is not present in population databases (gnomAD no frequency). This variant has not been reported in the literature in individuals affected with SERPING1-related conditions. Variants that disrupt the consensus splice site are a relatively common cause of aberrant splicing (PMID: 17576681, 9536098). Algorithms developed to predict the effect of sequence changes on RNA splicing suggest that this variant is not likely to affect RNA splicing. In summary, the available evidence is currently insufficient to determine the role of this variant in disease. Therefore, it has been classified as a Variant of Uncertain Significance.

Literature cited by the submitters: PubMed 17576681; PubMed 9536098.

NM_000062.3(SERPING1):c.1029+4A>C

Gene: SERPING1 (serpin family G member 1; plus strand). Cytogenetic location: 11q12.1.
Variant type: single nucleotide variant.
Coding change: c.1029+4A>C on transcript NM_000062.3 (MANE Select); 4 bases into the intron after coding-DNA position 1029, A replaced by C.
Molecular consequence: intron variant.
Genome position (GRCh38, 1-based): chr11:57,606,551, A>C. VCF-style: chr11-57606551-A-C. GRCh37 (hg19) VCF-style: chr11-57374024-A-C.
Other names: c.1029+4A>C (NM_001032295.2).
Identifiers: ClinVar variation 2699094 (VCV002699094.3), dbSNP rs2495442681, ClinGen allele CA2697548589.
Genomic context (GRCh38, chr11:57,606,551, plus strand): 5'-ATGAATAGCAAGAAGTACCCTGTGGCCCATTTCATTGACCAAACTTTGAAAGCCAAGGTA[A>C]GTTCTTAACCTTTCCTTCTCCTGTTTGAAACCTACTTGAGTCTCCTGACTTTTTTTCTGC-3'